The following is an entry in ClinVar:

ClinVar aggregate classification (germline): Uncertain significance (1 of 4 stars; one submission).

gnomAD v4.1: 1 of 1,611,438 alleles (0.000062%); highest among the groups gnomAD compares: South Asian, 0.0011%; no homozygotes.

Submission:

Greenwood Genetic Center Diagnostic Laboratories, Greenwood Genetic Center
Classification: Uncertain significance. Last evaluated: 2026-04-27. Review status: criteria provided, single submitter. Criteria: ACMG Guidelines, 2015. Collection method: clinical testing. Allele origin: germline.
Comment: PM2

NM_001366521.1(ATP2B1):c.2635-13A>C

Gene: ATP2B1 (ATPase plasma membrane Ca2+ transporting 1; minus strand). Cytogenetic location: 12q21.33.
Variant type: single nucleotide variant.
Coding change: c.2635-13A>C on transcript NM_001366521.1 (MANE Select); 13 bases into the intron before coding-DNA position 2635, A replaced by C.
Molecular consequence: intron variant.
Genome position (GRCh38, 1-based): chr12:89,603,938, T>G on the plus strand (A>C on the coding strand, the complement: ATP2B1 is on the minus strand). VCF-style: chr12-89603938-T-G. GRCh37 (hg19) VCF-style: chr12-89997715-T-G.
Other names: c.2437-13A>C (NM_001413053.1, NM_001366530.1); c.2074-13A>C (NM_001413060.1, NM_001366531.1, NM_001413058.1 and 2 more transcripts); c.2380-13A>C (NM_001413056.1); c.2494-13A>C (NM_001413051.1, NM_001413055.1, NM_001413052.1); c.2596-13A>C (NM_001413048.1); c.2392-13A>C (NM_001413054.1); c.2635-13A>C (NM_001413050.1, NM_001366529.1, NM_001366528.1 and 12 more transcripts); c.2182-13A>C (NM_001413057.1).
Identifiers: ClinVar variation 4891035 (VCV004891035.1).